The following is an entry in ClinVar:

NM_001360.3(DHCR7):c.888C>T (p.Asp296=)

Gene: DHCR7 (7-dehydrocholesterol reductase; minus strand). Cytogenetic location: 11q13.4.
Variant type: single nucleotide variant.
Coding change: c.888C>T on transcript NM_001360.3 (MANE Select); coding-DNA position 888, C replaced by T.
Protein change: p.Asp296=; no amino-acid change (aspartic acid 296 retained).
Molecular consequence: synonymous variant.
Genome position (GRCh38, 1-based): chr11:71,437,887, G>A on the plus strand (C>T on the coding strand, the complement: DHCR7 is on the minus strand). VCF-style: chr11-71437887-G-A. GRCh37 (hg19) VCF-style: chr11-71148933-G-A.
Other names: c.888C>T, p.Asp296= (NM_001163817.2); c.888C>T (NM_001360.2).
Identifiers: ClinVar variation 1116338 (VCV001116338.9), dbSNP rs1208755285, ClinGen allele CA475567581.

ClinVar aggregate classification (germline): Likely benign. Review status: criteria provided, single submitter (1 of 4 stars). 2 submissions from 2 submitters: Likely benign (1). 1 of the submissions does not count toward it. Last evaluated 2023-12-12.

Conditions:
DHCR7-related disorder. Also called: DHCR7-related condition.
Smith-Lemli-Opitz syndrome (SLOS). Also called: 7-Dehydrocholesterol reductase deficiency; LETHAL ACRODYSGENITAL SYNDROME; POLYDACTYLY, SEX REVERSAL, RENAL HYPOPLASIA, AND UNILOBAR LUNG; RSH SYNDROME; RUTLEDGE LETHAL MULTIPLE CONGENITAL ANOMALY SYNDROME. Identifiers: Orphanet 818, MedGen C0175694, MONDO:0010035, OMIM 270400.

Allele frequency attached by ClinVar (database versions not stated): TOPMed below 0.00001; gnomAD exomes 0.00001.
gnomAD v4.1: 16 of 1,614,034 alleles (0.00099%); highest among the groups gnomAD compares: Non-Finnish European, 0.0014%; no homozygotes.

Submissions (2):

Labcorp Genetics (formerly Invitae), Labcorp
Classification: Likely benign for Smith-Lemli-Opitz syndrome. Last evaluated: 2023-12-12. Review status: criteria provided, single submitter. Criteria: Invitae Variant Classification Sherloc (09022015). Collection method: clinical testing. Allele origin: germline.

PreventionGenetics, part of Exact Sciences
Classification: Likely benign for DHCR7-related condition. Last evaluated: 2023-07-26. Review status: no assertion criteria provided. Collection method: clinical testing. Allele origin: germline. Not counted in ClinVar's aggregate classification.
Comment: This variant is classified as likely benign based on ACMG/AMP sequence variant interpretation guidelines (Richards et al. 2015 PMID: 25741868, with internal and published modifications).